The following is an entry in ClinVar:

NM_000548.5(TSC2):c.2545+2T>C

Gene: TSC2 (TSC complex subunit 2; plus strand). Cytogenetic location: 16p13.3.
Variant type: single nucleotide variant.
Coding change: c.2545+2T>C on transcript NM_000548.5 (MANE Select); the canonical splice donor site of the intron after coding-DNA position 2545, T replaced by C.
Molecular consequence: splice donor variant.
Genome position (GRCh38, 1-based): chr16:2,074,391, T>C. VCF-style: chr16-2074391-T-C. GRCh37 (hg19) VCF-style: chr16-2124392-T-C.
Other names: c.1201+2T>C (NM_001406693.1, NM_001406689.1, NM_001406690.1 and 6 more transcripts); c.2635+2T>C (NM_001406667.1, NM_001406668.1); c.1945+2T>C (NM_001406680.1, NM_001406683.1, NM_001406687.1 and 6 more transcripts); c.943+2T>C (NM_001406698.1); c.2545+2T>C (NM_001114382.3, NM_001406663.1, NM_001406664.1 and 6 more transcripts); c.2533+2T>C (NM_001406671.1, NM_001406673.1); c.2083+2T>C (NM_001406681.1); c.2434+2T>C (NM_001406670.1, NM_001318827.2, NM_001406678.1); and 3 more.
Identifiers: ClinVar variation 65351 (VCV000065351.5), dbSNP rs397515262, ClinGen allele CA017604.

ClinVar aggregate classification (germline): Pathogenic. Review status: criteria provided, single submitter (1 of 4 stars). 2 submissions from 2 submitters: Pathogenic (1). 1 of the submissions does not count toward it. Last evaluated 2023-03-03.

Conditions:
Tuberous sclerosis 2 (TSC2). Identifiers: Orphanet 805, MedGen C1860707, MONDO:0013199, OMIM 613254.
Tuberous sclerosis syndrome (TSC). Also called: Tuberous Sclerosis Complex; Tuberous sclerosis. Identifiers: Orphanet 805, MedGen C0041341, MONDO:0001734.

Submissions (2):

Labcorp Genetics (formerly Invitae), Labcorp
Classification: Pathogenic for Tuberous sclerosis 2. Last evaluated: 2023-03-03. Review status: criteria provided, single submitter. Criteria: Invitae Variant Classification Sherloc (09022015). Collection method: clinical testing. Allele origin: germline.
Comment: Disruption of this splice site has been observed in individual(s) with tuberous sclerosis complex (PMID: 27859028). This variant is not present in population databases (gnomAD no frequency). This sequence change affects a donor splice site in intron 22 of the TSC2 gene. It is expected to disrupt RNA splicing. Variants that disrupt the donor or acceptor splice site typically lead to a loss of protein function (PMID: 16199547), and loss-of-function variants in TSC2 are known to be pathogenic (PMID: 10205261, 17304050). ClinVar contains an entry for this variant (Variation ID: 65351). For these reasons, this variant has been classified as Pathogenic. Algorithms developed to predict the effect of sequence changes on RNA splicing suggest that this variant may disrupt the consensus splice site.

Tuberous sclerosis database (TSC2)
No classification provided. Condition: TSC. Review status: no classification provided. Criteria: Tuberous Sclerosis Database Assertion Criteria 2015. Collection method: curation. Allele origin: germline. Affected: yes. Not counted in ClinVar's aggregate classification.

Literature cited by the submitters: PubMed 27859028 (cited by Labcorp Genetics (formerly Invitae), Labcorp); PubMed 16199547 (cited by Labcorp Genetics (formerly Invitae), Labcorp); PubMed 10205261 (cited by Labcorp Genetics (formerly Invitae), Labcorp); PubMed 17304050 (cited by Labcorp Genetics (formerly Invitae), Labcorp).